The following is an entry in ClinVar:

NM_004370.6(COL12A1):c.7114G>A (p.Val2372Ile)

Genes: COL12A1 (collagen type XII alpha 1 chain; minus strand), LOC126859712 (MED14-independent group 3 enhancer GRCh37_chr6:75828643-75829842; plus strand). Cytogenetic location: 6q13.
Variant type: single nucleotide variant.
Coding change: c.7114G>A on transcript NM_004370.6 (MANE Select); coding-DNA position 7114, G replaced by A.
Protein change: p.Val2372Ile; replaces valine 2372 with isoleucine.
Molecular consequence: missense variant.
Genome position (GRCh38, 1-based): chr6:75,119,446, C>T on the plus strand (G>A on the coding strand, the complement: COL12A1 is on the minus strand). VCF-style: chr6-75119446-C-T. GRCh37 (hg19) VCF-style: chr6-75829162-C-T.
Other names: c.7114G>A, p.Val2372Ile (NM_001424113.1); c.7093G>A, p.Val2365Ile (NM_001424114.1); c.6841G>A, p.Val2281Ile (NM_001424115.1); c.3622G>A, p.Val1208Ile (NM_001424116.1, NM_080645.3); short protein forms V1208I, V2281I, V2365I, V2372I.
Identifiers: ClinVar variation 3748628 (VCV003748628.2).

ClinVar aggregate classification (germline): Uncertain significance (1 of 4 stars; one submission).

Conditions:
Ullrich congenital muscular dystrophy 2 (UCMD2). Identifiers: Orphanet 75840, MedGen C4225314, MONDO:0014654, OMIM 616470.
Bethlem myopathy 2 (BTHLM2). Identifiers: Orphanet 536516, Orphanet 610, MedGen C4225313, MONDO:0034022, OMIM 616471.

Submission:

Labcorp Genetics (formerly Invitae), Labcorp
Classification: Uncertain significance for Bethlem myopathy 2; Ullrich congenital muscular dystrophy 2. Last evaluated: 2024-06-14. Review status: criteria provided, single submitter. Criteria: Invitae Variant Classification Sherloc (09022015). Collection method: clinical testing. Allele origin: germline.
Comment: This sequence change replaces valine, which is neutral and non-polar, with isoleucine, which is neutral and non-polar, at codon 2372 of the COL12A1 protein (p.Val2372Ile). This variant is not present in population databases (gnomAD no frequency). This variant has not been reported in the literature in individuals affected with COL12A1-related conditions. Advanced modeling of protein sequence and biophysical properties (such as structural, functional, and spatial information, amino acid conservation, physicochemical variation, residue mobility, and thermodynamic stability) performed at Invitae indicates that this missense variant is not expected to disrupt COL12A1 protein function with a negative predictive value of 80%. In summary, the available evidence is currently insufficient to determine the role of this variant in disease. Therefore, it has been classified as a Variant of Uncertain Significance.